The following is an entry in ClinVar:

ClinVar aggregate classification (germline): Likely benign. Review status: criteria provided, multiple submitters, no conflicts (2 of 4 stars). 4 submissions from 4 submitters: Likely benign (4). Last evaluated 2026-04-02.

Conditions:
Hypertrophic cardiomyopathy. Also called: HYPERTROPHIC MYOCARDIOPATHY. Identifiers: Orphanet 217569, MedGen C0007194, MeSH D002312, MONDO:0005045, HP:0001639.

Allele frequency attached by ClinVar (database versions not stated): ExAC 0.00008; gnomAD exomes 0.00011 and 0.00007; gnomAD 0.00001 and 0.00002; TOPMed 0.00001.
gnomAD v4.1: 105 of 1,613,346 alleles (0.0065%); highest among the groups gnomAD compares: South Asian, 0.1%; 2 homozygotes.

Submissions (4):

Women's Health and Genetics/Laboratory Corporation of America, LabCorp
Classification: Likely benign. Last evaluated: 2026-04-02. Review status: criteria provided, single submitter. Criteria: LabCorp Variant Classification Summary - May 2015. Collection method: clinical testing. Allele origin: germline.
Comment: Variant summary: MYH7 c.2162+9G>A alters a non-conserved nucleotide located at a position not widely known to affect splicing. Consensus agreement among computation tools predict no significant impact on normal splicing. However, these predictions have yet to be confirmed by functional studies. The variant allele was found at a frequency of 6.4e-05 in 1606944 control chromosomes, predominantly at a frequency of 0.001 within the South Asian subpopulation in the gnomAD database, including 2 homozygotes. To our knowledge, no occurrence of c.2162+9G>A in individuals affected with MYH7-related conditions and no experimental evidence demonstrating its impact on protein function have been reported. ClinVar contains an entry for this variant (Variation ID: 188614). Based on the evidence outlined above, the variant was classified as likely benign.

Labcorp Genetics (formerly Invitae), Labcorp
Classification: Likely benign for Hypertrophic cardiomyopathy. Last evaluated: 2025-12-13. Review status: criteria provided, single submitter. Criteria: Invitae Variant Classification Sherloc (09022015). Collection method: clinical testing. Allele origin: germline.

Blueprint Genetics
Classification: Likely benign. Last evaluated: 2023-09-28. Review status: criteria provided, single submitter. Criteria: ACMG Guidelines, 2015. Collection method: clinical testing. Allele origin: germline.

GeneDx
Classification: Likely benign. Last evaluated: 2018-04-05. Review status: criteria provided, single submitter. Criteria: GeneDx Variant Classification Process June 2021. Collection method: clinical testing. Allele origin: germline. Affected: yes.

NM_000257.4(MYH7):c.2162+9G>A

Gene: MYH7 (myosin heavy chain 7; minus strand). Cytogenetic location: 14q11.2.
Variant type: single nucleotide variant.
Coding change: c.2162+9G>A on transcript NM_000257.4 (MANE Select); 9 bases into the intron after coding-DNA position 2162, G replaced by A.
Molecular consequence: intron variant.
Genome position (GRCh38, 1-based): chr14:23,425,955, C>T on the plus strand (G>A on the coding strand, the complement: MYH7 is on the minus strand). VCF-style: chr14-23425955-C-T. GRCh37 (hg19) VCF-style: chr14-23895164-C-T.
Identifiers: ClinVar variation 188614 (VCV000188614.18), dbSNP rs765279420, ClinGen allele CA011807.